The following is an entry in ClinVar:

ClinVar aggregate classification (germline): Uncertain significance (1 of 4 stars; one submission).

Conditions:
Charcot-Marie-Tooth disease axonal type 2P. Also called: CHARCOT-MARIE-TOOTH DISEASE, AXONAL, TYPE 2G; CMT 2G; CHARCOT-MARIE-TOOTH NEUROPATHY, TYPE 2P; Charcot-Marie-Tooth Neuropathy Type 2G. Identifiers: Orphanet 300319, Orphanet 99941, MedGen C3280797, MONDO:0013753, OMIM 614436.

Submission:

Labcorp Genetics (formerly Invitae), Labcorp
Classification: Uncertain significance for Charcot-Marie-Tooth disease axonal type 2P. Last evaluated: 2018-05-14. Review status: criteria provided, single submitter. Criteria: Invitae Variant Classification Sherloc (09022015). Collection method: clinical testing. Allele origin: germline.
Comment: In summary, the available evidence is currently insufficient to determine the role of this variant in disease. Therefore, it has been classified as a Variant of Uncertain Significance. Algorithms developed to predict the effect of missense changes on protein structure and function output the following: SIFT: "Tolerated"; PolyPhen-2: "Benign"; Align-GVGD: "Class C0". The serine amino acid residue is found in multiple mammalian species, suggesting that this missense change does not adversely affect protein function. These predictions have not been confirmed by published functional studies and their clinical significance is uncertain. This variant has not been reported in the literature in individuals with LRSAM1-related disease. This variant is not present in population databases (ExAC no frequency). This sequence change replaces glycine with serine at codon 194 of the LRSAM1 protein (p.Gly194Ser). The glycine residue is moderately conserved and there is a small physicochemical difference between glycine and serine.

NM_001005373.4(LRSAM1):c.580G>A (p.Gly194Ser)

Gene: LRSAM1 (leucine rich repeat and sterile alpha motif containing 1; plus strand). Cytogenetic location: 9q33.3.
Variant type: single nucleotide variant.
Coding change: c.580G>A on transcript NM_001005373.4 (MANE Select); coding-DNA position 580, G replaced by A.
Protein change: p.Gly194Ser; replaces glycine 194 with serine.
Molecular consequence: missense variant. On other transcripts: 5 prime UTR variant (1), non-coding transcript variant (2).
Genome position (GRCh38, 1-based): chr9:127,467,791, G>A. VCF-style: chr9-127467791-G-A. GRCh37 (hg19) VCF-style: chr9-130230070-G-A.
Other names: c.580G>A, p.Gly194Ser (NM_001005374.4, NM_001190723.3, NM_001384142.1 and 2 more transcripts); c.-205G>A (NM_001384144.1); short protein forms G194S.
Identifiers: ClinVar variation 568444 (VCV000568444.8), dbSNP rs1193320677, ClinGen allele CA374928548.